The following is an entry in ClinVar:

NM_032447.5(FBN3):c.2505C>T (p.Cys835=)

Gene: FBN3 (fibrillin 3; minus strand). Cytogenetic location: 19p13.2.
Variant type: single nucleotide variant.
Coding change: c.2505C>T on transcript NM_032447.5 (MANE Select); coding-DNA position 2505, C replaced by T.
Protein change: p.Cys835=; no amino-acid change (cysteine 835 retained).
Molecular consequence: synonymous variant.
Genome position (GRCh38, 1-based): chr19:8,126,517, G>A on the plus strand (C>T on the coding strand, the complement: FBN3 is on the minus strand). VCF-style: chr19-8126517-G-A. GRCh37 (hg19) VCF-style: chr19-8191401-G-A.
Other names: c.2505C>T, p.Cys835= (NM_001321431.2); c.2505C>T (NM_001321431.1).
Identifiers: ClinVar variation 1612401 (VCV001612401.11), dbSNP rs3813778, ClinGen allele CA9152865.

ClinVar aggregate classification (germline): Benign. Review status: criteria provided, multiple submitters, no conflicts (2 of 4 stars). 3 submissions from 3 submitters: Benign (2). 1 of the submissions does not count toward it. Last evaluated 2026-02-04.

Conditions:
FBN3-related disorder. Also called: FBN3-related condition.

Allele frequency attached by ClinVar (database versions not stated): TOPMed 0.32336; ESP Exome Variant Server 0.35643; 1000 Genomes Project 30x 0.25843; 1000 Genomes Project 0.26278.
gnomAD v4.1: 651,375 of 1,612,866 alleles (40%); highest among the groups gnomAD compares: Middle Eastern, 45%; 137,711 homozygotes.

Submissions (3):

Labcorp Genetics (formerly Invitae), Labcorp
Classification: Benign. Last evaluated: 2026-02-04. Review status: criteria provided, single submitter. Criteria: Invitae Variant Classification Sherloc (09022015). Collection method: clinical testing. Allele origin: germline.

Breakthrough Genomics
Classification: Benign. Review status: criteria provided, single submitter. Criteria: ACMG Guidelines, 2015. Collection method: not provided. Allele origin: germline. Inheritance: Unknown mechanism. Affected: yes.

PreventionGenetics, part of Exact Sciences
Classification: Benign for FBN3-related condition. Last evaluated: 2019-10-17. Review status: no assertion criteria provided. Collection method: clinical testing. Allele origin: germline. Not counted in ClinVar's aggregate classification.
Comment: This variant is classified as benign based on ACMG/AMP sequence variant interpretation guidelines (Richards et al. 2015 PMID: 25741868, with internal and published modifications).